The following is an entry in ClinVar:

ClinVar aggregate classification (germline): Uncertain significance (1 of 4 stars; one submission).

Submission:

GeneDx
Classification: Uncertain significance. Last evaluated: 2020-04-20. Review status: criteria provided, single submitter. Criteria: GeneDx Variant Classification Process June 2021. Collection method: clinical testing. Allele origin: germline. Affected: yes.
Comment: Not observed in large population cohorts (Lek et al., 2016); In silico analysis supports that this missense variant does not alter protein structure/function; Has not been previously published as pathogenic or benign to our knowledge

NM_001161352.2(KCNMA1):c.3637G>A (p.Ala1213Thr)

Gene: KCNMA1 (potassium calcium-activated channel subfamily M alpha 1; minus strand). Cytogenetic location: 10q22.3.
Variant type: single nucleotide variant.
Coding change: c.3637G>A on transcript NM_001161352.2 (MANE Select); coding-DNA position 3637, G replaced by A.
Protein change: p.Ala1213Thr; replaces alanine 1213 with threonine.
Molecular consequence: missense variant.
Genome position (GRCh38, 1-based): chr10:76,887,340, C>T on the plus strand (G>A on the coding strand, the complement: KCNMA1 is on the minus strand). VCF-style: chr10-76887340-C-T. GRCh37 (hg19) VCF-style: chr10-78647098-C-T.
Other names: c.3475G>A, p.Ala1159Thr (NM_001014797.3); c.3586G>A, p.Ala1196Thr (NM_001161353.2); c.3313G>A, p.Ala1105Thr (NM_001271518.2); c.3553G>A, p.Ala1185Thr (NM_001271519.2); c.3472G>A, p.Ala1158Thr (NM_001322829.2, NM_001322836.2); c.3565G>A, p.Ala1189Thr (NM_001322830.2); c.3463G>A, p.Ala1155Thr (NM_001322832.2, NM_002247.4); c.3556G>A, p.Ala1186Thr (NM_001322835.2, NM_001322837.2); and 1 more; short protein forms A1004T, A1105T, A1155T, A1158T, A1159T, A1185T, A1186T, A1189T.
Identifiers: ClinVar variation 1315401 (VCV001315401.2), dbSNP rs2151705433, ClinGen allele CA377402594.